The following is an entry in ClinVar:

NM_001384474.1(LOXHD1):c.2771G>C (p.Arg924Pro)

Gene: LOXHD1 (lipoxygenase homology PLAT domains 1; minus strand). Cytogenetic location: 18q21.1.
Variant type: single nucleotide variant.
Coding change: c.2771G>C on transcript NM_001384474.1 (MANE Select); coding-DNA position 2771, G replaced by C.
Protein change: p.Arg924Pro; replaces arginine 924 with proline.
Molecular consequence: missense variant.
Genome position (GRCh38, 1-based): chr18:46,560,373, C>G on the plus strand (G>C on the coding strand, the complement: LOXHD1 is on the minus strand). VCF-style: chr18-46560373-C-G. GRCh37 (hg19) VCF-style: chr18-44140336-C-G.
Other names: c.2771G>C, p.Arg924Pro (NM_144612.7); short protein forms R924P.
Identifiers: ClinVar variation 891541 (VCV000891541.7), dbSNP rs140904207, ClinGen allele CA299794474.

ClinVar aggregate classification (germline): Uncertain significance. Review status: criteria provided, multiple submitters, no conflicts (2 of 4 stars). 3 submissions from 3 submitters: Uncertain significance (3). Last evaluated 2025-06-12.

Conditions:
Autosomal recessive nonsyndromic hearing loss 77. Identifiers: Orphanet 90636, MedGen C2746083, MONDO:0013119, OMIM 613079.

Allele frequency attached by ClinVar (database versions not stated): TOPMed 0.00003.
gnomAD v4.1: 26 of 1,552,460 alleles (0.0017%); highest among the groups gnomAD compares: African/African-American, 0.0041%; no homozygotes.

Submissions (3):

Labcorp Genetics (formerly Invitae), Labcorp
Classification: Uncertain significance. Last evaluated: 2025-06-12. Review status: criteria provided, single submitter. Criteria: Invitae Variant Classification Sherloc (09022015). Collection method: clinical testing. Allele origin: germline.
Comment: This sequence change replaces arginine, which is basic and polar, with proline, which is neutral and non-polar, at codon 924 of the LOXHD1 protein (p.Arg924Pro). This variant is present in population databases (no rsID available, gnomAD 0.02%). This variant has not been reported in the literature in individuals affected with LOXHD1-related conditions. ClinVar contains an entry for this variant (Variation ID: 891541). An algorithm developed to predict the effect of missense changes on protein structure and function (PolyPhen-2) suggests that this variant is likely to be tolerated. In summary, the available evidence is currently insufficient to determine the role of this variant in disease. Therefore, it has been classified as a Variant of Uncertain Significance.

Fulgent Genetics
Classification: Uncertain significance for Autosomal recessive nonsyndromic hearing loss 77. Last evaluated: 2021-07-20. Review status: criteria provided, single submitter. Criteria: ACMG Guidelines, 2015. Collection method: clinical testing. Allele origin: unknown.

Illumina Laboratory Services, Illumina
Classification: Uncertain significance for Autosomal recessive nonsyndromic hearing loss 77. Last evaluated: 2018-01-13. Review status: criteria provided, single submitter. Criteria: ICSL Variant Classification Criteria 13 December 2019. Collection method: clinical testing. Allele origin: germline.